The following is an entry in ClinVar:

ClinVar aggregate classification (germline): Uncertain significance. Review status: criteria provided, multiple submitters, no conflicts (2 of 4 stars). 4 submissions from 4 submitters: Uncertain significance (4). Last evaluated 2025-05-25.

Conditions:
Meckel syndrome, type 8. Identifiers: Orphanet 564, MedGen C3836857, MONDO:0013482, OMIM 613885.
Joubert syndrome 24 (JBTS24). Identifiers: Orphanet 475, MedGen C4084841, MONDO:0014724, OMIM 616654.
Inborn genetic diseases. Identifiers: MedGen C0950123, MeSH D030342.
Joubert syndrome. Also called: CEREBELLOPARENCHYMAL DISORDER IV; JOUBERT-BOLTSHAUSER SYNDROME; Familial aplasia of the vermis. Identifiers: Orphanet 475, MedGen C5979921, MONDO:0018772.
Meckel-Gruber syndrome. Also called: DYSENCEPHALIA SPLANCHNOCYSTICA; GRUBER SYNDROME; Dysencephalia splachnocystica. Identifiers: Orphanet 564, MedGen C0265215, MONDO:0018921.

Allele frequency attached by ClinVar (database versions not stated): gnomAD exomes 0.00001 and 0.00003; ExAC 0.00004; gnomAD 0.00009 and 0.00010; TOPMed 0.00011; 1000 Genomes Project 30x 0.00016; 1000 Genomes Project 0.00020.
gnomAD v4.1: 27 of 1,614,218 alleles (0.0017%); highest among the groups gnomAD compares: African/African-American, 0.027%; no homozygotes.

Submissions (4):

Ambry Genetics
Classification: Uncertain significance for Inborn genetic diseases. Last evaluated: 2025-05-25. Review status: criteria provided, single submitter. Criteria: Ambry Variant Classification Scheme 2023. Collection method: clinical testing. Allele origin: germline.

Labcorp Genetics (formerly Invitae), Labcorp
Classification: Uncertain significance for Joubert syndrome; Meckel-Gruber syndrome. Last evaluated: 2024-12-02. Review status: criteria provided, single submitter. Criteria: Invitae Variant Classification Sherloc (09022015). Collection method: clinical testing. Allele origin: germline.
Comment: This sequence change replaces valine, which is neutral and non-polar, with isoleucine, which is neutral and non-polar, at codon 211 of the TCTN2 protein (p.Val211Ile). This variant is present in population databases (rs544183268, gnomAD 0.02%). This variant has not been reported in the literature in individuals affected with TCTN2-related conditions. ClinVar contains an entry for this variant (Variation ID: 1313059). Invitae Evidence Modeling of protein sequence and biophysical properties (such as structural, functional, and spatial information, amino acid conservation, physicochemical variation, residue mobility, and thermodynamic stability) indicates that this missense variant is expected to disrupt TCTN2 protein function with a positive predictive value of 80%. In summary, the available evidence is currently insufficient to determine the role of this variant in disease. Therefore, it has been classified as a Variant of Uncertain Significance.

Fulgent Genetics
Classification: Uncertain significance for Meckel syndrome, type 8; Joubert syndrome 24. Last evaluated: 2024-06-24. Review status: criteria provided, single submitter. Criteria: ACMG Guidelines, 2015. Collection method: clinical testing. Allele origin: germline.

GeneDx
Classification: Uncertain significance. Last evaluated: 2020-07-09. Review status: criteria provided, single submitter. Criteria: GeneDx Variant Classification Process June 2021. Collection method: clinical testing. Allele origin: germline. Affected: yes.
Comment: In silico analysis supports that this missense variant does not alter protein structure/function; Has not been previously published as pathogenic or benign to our knowledge

NM_024809.5(TCTN2):c.631G>A (p.Val211Ile)

Gene: TCTN2 (tectonic family member 2; plus strand). Cytogenetic location: 12q24.31.
Variant type: single nucleotide variant.
Coding change: c.631G>A on transcript NM_024809.5 (MANE Select); coding-DNA position 631, G replaced by A.
Protein change: p.Val211Ile; replaces valine 211 with isoleucine.
Molecular consequence: missense variant.
Genome position (GRCh38, 1-based): chr12:123,686,902, G>A. VCF-style: chr12-123686902-G-A. GRCh37 (hg19) VCF-style: chr12-124171449-G-A.
Other names: c.628G>A, p.Val210Ile (NM_001143850.3); c.631G>A (NM_024809.3); short protein forms V210I, V211I.
Identifiers: ClinVar variation 1313059 (VCV001313059.8), dbSNP rs544183268, ClinGen allele CA6860947.